The following is an entry in ClinVar:

ClinVar aggregate classification (germline): Likely pathogenic. Review status: criteria provided, multiple submitters, no conflicts (2 of 4 stars). 2 submissions from 2 submitters: Likely pathogenic (2). Last evaluated 2025-07-23.

Conditions:
Canavan Disease, Familial Form. Identifiers: MedGen C0751663.
Spongy degeneration of central nervous system. Also called: ACY2 DEFICIENCY; AMINOACYLASE 2 DEFICIENCY; ASP DEFICIENCY; ASPA DEFICIENCY; ASPARTOACYLASE DEFICIENCY; CANAVAN-VAN BOGAERT-BERTRAND DISEASE. Identifiers: Orphanet 141, MedGen C0206307, MONDO:0010079, OMIM 271900.

Submissions (2):

Women's Health and Genetics/Laboratory Corporation of America, LabCorp
Classification: Likely pathogenic for Canavan Disease, Familial Form. Last evaluated: 2025-07-23. Review status: criteria provided, single submitter. Criteria: LabCorp Variant Classification Summary - May 2015. Collection method: clinical testing. Allele origin: germline.
Comment: Variant summary: ASPA c.902T>C (p.Leu301Pro) results in a non-conservative amino acid change in the encoded protein sequence. Algorithms developed to predict the effect of missense changes on protein structure and function all suggest that this variant is likely to be disruptive. The variant was absent in 251282 control chromosomes. c.902T>C has been observed in the presumed compound heterozygous and homozygous states in multiple individual(s) affected with Canavan Disease(example, Bijarnia_2013, Gowda_2021, Labcorp Genetics (formerly Invitae)). These data indicate that the variant is likely to be associated with disease. To our knowledge, no experimental evidence demonstrating an impact on protein function has been reported. The following publications have been ascertained in the context of this evaluation (PMID: 22878930, 34446995). ClinVar contains an entry for this variant (Variation ID: 2137876). Based on the evidence outlined above, the variant was classified as likely pathogenic.

Labcorp Genetics (formerly Invitae), Labcorp
Classification: Likely pathogenic for Spongy degeneration of central nervous system. Last evaluated: 2024-06-03. Review status: criteria provided, single submitter. Criteria: Invitae Variant Classification Sherloc (09022015). Collection method: clinical testing. Allele origin: germline.
Comment: This sequence change replaces leucine, which is neutral and non-polar, with proline, which is neutral and non-polar, at codon 301 of the ASPA protein (p.Leu301Pro). This variant is not present in population databases (gnomAD no frequency). This missense change has been observed in individual(s) with Canavan disease (PMID: 22878930, 34446995; Invitae). It has also been observed to segregate with disease in related individuals. ClinVar contains an entry for this variant (Variation ID: 2137876). Advanced modeling of protein sequence and biophysical properties (such as structural, functional, and spatial information, amino acid conservation, physicochemical variation, residue mobility, and thermodynamic stability) has been performed at Invitae for this missense variant, however the output from this modeling did not meet the statistical confidence thresholds required to predict the impact of this variant on ASPA protein function. In summary, the currently available evidence indicates that the variant is pathogenic, but additional data are needed to prove that conclusively. Therefore, this variant has been classified as Likely Pathogenic.

Literature cited by the submitters: PubMed 22878930 (cited by Women's Health and Genetics/Laboratory Corporation of America, LabCorp and Labcorp Genetics (formerly Invitae), Labcorp); PubMed 34446995 (cited by Women's Health and Genetics/Laboratory Corporation of America, LabCorp and Labcorp Genetics (formerly Invitae), Labcorp).

NM_000049.4(ASPA):c.902T>C (p.Leu301Pro)

Genes: SPATA22 (spermatogenesis associated 22; minus strand), ASPA (aspartoacylase; plus strand). Cytogenetic location: 17p13.2.
Variant type: single nucleotide variant.
Coding change: c.902T>C on transcript NM_000049.4 (MANE Select); coding-DNA position 902, T replaced by C.
Protein change: p.Leu301Pro; replaces leucine 301 with proline.
Molecular consequence: missense variant. On other transcripts: intron variant (2).
Genome position (GRCh38, 1-based): chr17:3,499,048, T>C. VCF-style: chr17-3499048-T-C. GRCh37 (hg19) VCF-style: chr17-3402342-T-C.
Other names: c.902T>C, p.Leu301Pro (NM_001128085.1); c.-74+14364A>G (NM_001321336.2, NM_001321337.2); short protein forms L301P.
Identifiers: ClinVar variation 2137876 (VCV002137876.5), dbSNP rs2073958098, ClinGen allele CA397688133.